The following is an entry in ClinVar:

ClinVar aggregate classification (germline): Uncertain significance (1 of 4 stars; one submission).

Conditions:
Cardiovascular phenotype. Identifiers: MedGen CN230736.

Allele frequency attached by ClinVar (database versions not stated): gnomAD 0.00001.
gnomAD v4.1: 17 of 1,608,456 alleles (0.0011%); highest among the groups gnomAD compares: South Asian, 0.013%; no homozygotes.

Submission:

Ambry Genetics
Classification: Uncertain significance for Cardiovascular phenotype. Last evaluated: 2021-07-22. Review status: criteria provided, single submitter. Criteria: Ambry Variant Classification Scheme 2023. Collection method: clinical testing. Allele origin: germline.
Comment: The p.G20R variant (also known as c.58G>C), located in coding exon 1 of the JPH2 gene, results from a G to C substitution at nucleotide position 58. The glycine at codon 20 is replaced by arginine, an amino acid with dissimilar properties. This amino acid position is conserved. In addition, this alteration is predicted to be tolerated by in silico analysis. Since supporting evidence is limited at this time, the clinical significance of this alteration remains unclear.

NM_020433.5(JPH2):c.58G>C (p.Gly20Arg)

Gene: JPH2 (junctophilin 2; minus strand). Cytogenetic location: 20q13.12.
Variant type: single nucleotide variant.
Coding change: c.58G>C on transcript NM_020433.5 (MANE Select); coding-DNA position 58, G replaced by C.
Protein change: p.Gly20Arg; replaces glycine 20 with arginine.
Molecular consequence: missense variant.
Genome position (GRCh38, 1-based): chr20:44,186,648, C>G on the plus strand (G>C on the coding strand, the complement: JPH2 is on the minus strand). VCF-style: chr20-44186648-C-G. GRCh37 (hg19) VCF-style: chr20-42815288-C-G.
Other names: c.58G>C, p.Gly20Arg (NM_175913.4); short protein forms G20R.
Identifiers: ClinVar variation 1750396 (VCV001750396.2), dbSNP rs988100071, ClinGen allele CA315352310.